The following is an entry in ClinVar:

ClinVar aggregate classification (germline): Uncertain significance. Review status: criteria provided, multiple submitters, no conflicts (2 of 4 stars). 2 submissions from 2 submitters: Uncertain significance (2). Last evaluated 2025-01-09.

Conditions:
Bethlem myopathy 1A. Also called: Bethlem myopathy 1; Bethlem Muscular Dystrophy; MYOPATHY, BENIGN CONGENITAL, WITH CONTRACTURES. Identifiers: Orphanet 610, MedGen CN029274, MONDO:0024530, OMIM 158810.

Submissions (2):

Revvity Omics, Revvity
Classification: Uncertain significance. Last evaluated: 2025-01-09. Review status: criteria provided, single submitter. Criteria: ACMG Guidelines, 2015. Collection method: clinical testing. Allele origin: germline.

Labcorp Genetics (formerly Invitae), Labcorp
Classification: Uncertain significance for Bethlem myopathy 1A. Last evaluated: 2022-03-18. Review status: criteria provided, single submitter. Criteria: Invitae Variant Classification Sherloc (09022015). Collection method: clinical testing. Allele origin: germline.
Comment: In summary, the available evidence is currently insufficient to determine the role of this variant in disease. Therefore, it has been classified as a Variant of Uncertain Significance. Advanced modeling of protein sequence and biophysical properties (such as structural, functional, and spatial information, amino acid conservation, physicochemical variation, residue mobility, and thermodynamic stability) performed at Invitae indicates that this missense variant is not expected to disrupt COL6A1 protein function. This variant has not been reported in the literature in individuals affected with COL6A1-related conditions. This variant is not present in population databases (gnomAD no frequency). This sequence change replaces glutamic acid, which is acidic and polar, with aspartic acid, which is acidic and polar, at codon 408 of the COL6A1 protein (p.Glu408Asp).

NM_001848.3(COL6A1):c.1224G>T (p.Glu408Asp)

Gene: COL6A1 (collagen type VI alpha 1 chain; plus strand). Cytogenetic location: 21q22.3.
Variant type: single nucleotide variant.
Coding change: c.1224G>T on transcript NM_001848.3 (MANE Select); coding-DNA position 1224, G replaced by T.
Protein change: p.Glu408Asp; replaces glutamic acid 408 with aspartic acid.
Molecular consequence: missense variant.
Genome position (GRCh38, 1-based): chr21:45,992,205, G>T. VCF-style: chr21-45992205-G-T. GRCh37 (hg19) VCF-style: chr21-47412119-G-T.
Other names: short protein forms E408D.
Identifiers: ClinVar variation 1386787 (VCV001386787.7), dbSNP rs772775334, ClinGen allele CA410525508.